The following is an entry in ClinVar:

ClinVar aggregate classification (germline): Uncertain significance (1 of 4 stars; one submission).

Submission:

GeneDx
Classification: Uncertain significance. Last evaluated: 2025-03-11. Review status: criteria provided, single submitter. Criteria: GeneDx Variant Classification Process June 2021. Collection method: clinical testing. Allele origin: germline. Affected: yes.
Comment: Not observed at significant frequency in large population cohorts (gnomAD); In silico analysis indicates that this variant does not alter protein structure/function; Has not been previously published as pathogenic or benign to our knowledge

NM_014915.3(ANKRD26):c.2191_2192delinsTT (p.Ala731Leu)

Gene: ANKRD26 (ankyrin repeat domain containing 26; minus strand). Cytogenetic location: 10p12.1.
Variant type: Indel.
Coding change: c.2191_2192delinsTT on transcript NM_014915.3 (MANE Select); coding-DNA positions 2191 to 2192, GC replaced by TT.
Protein change: p.Ala731Leu; replaces alanine 731 with leucine.
Molecular consequence: missense variant.
Genome position (GRCh38, 1-based): chr10:27,040,148-27,040,149, GC replaced by AA on the plus strand (GC replaced by TT on the coding strand, the reverse complement: ANKRD26 is on the minus strand). VCF-style: chr10-27040148-GC-AA. GRCh37 (hg19) VCF-style: chr10-27329077-GC-AA.
Other names: c.2188_2189delinsTT, p.Ala730Leu (NM_001256053.2); c.2191_2192delGCinsTT, p.Ala731Leu (NM_014915.2); short protein forms A730L, A731L.
Identifiers: ClinVar variation 4083086 (VCV004083086.1).
Genomic context (GRCh38, chr10:27,040,148, plus strand): 5'-ACTGTAAGTAGTTCACAGTGATTTTTTTTAAGTTCTAATAATCTTTCACATGAAAGAGCT[GC>AA]ATCCTGGATTTTCAATAGGCTAACAGAATCTGTATCAGGAAGAAAACAAGATAGAAATAT-3'
Protein context (NP_055730.2, residues 721-741): DSVSLLKIQD[Ala731Leu]ALSCERLLEL